The following is an entry in ClinVar:

NM_001081550.2(THOC2):c.3919C>T (p.Arg1307Trp)

Gene: THOC2 (THO complex subunit 2; minus strand). Cytogenetic location: Xq25.
Variant type: single nucleotide variant.
Coding change: c.3919C>T on transcript NM_001081550.2 (MANE Select); coding-DNA position 3919, C replaced by T.
Protein change: p.Arg1307Trp; replaces arginine 1307 with tryptophan.
Molecular consequence: missense variant.
Genome position (GRCh38, 1-based): chrX:123,621,454, G>A on the plus strand (C>T on the coding strand, the complement: THOC2 is on the minus strand). VCF-style: chrX-123621454-G-A. GRCh37 (hg19) VCF-style: chrX-122755305-G-A.
Other names: short protein forms R1307W.
Identifiers: ClinVar variation 1707803 (VCV001707803.4), dbSNP rs372924579, ClinGen allele CA10507393.

ClinVar aggregate classification (germline): Uncertain significance. Review status: criteria provided, multiple submitters, no conflicts (2 of 4 stars). 2 submissions from 2 submitters: Uncertain significance (2). Last evaluated 2026-01-15.

Conditions:
Inborn genetic diseases. Identifiers: MedGen C0950123, MeSH D030342.

Allele frequency attached by ClinVar (database versions not stated): gnomAD exomes below 0.00001; ExAC 0.00001; ESP Exome Variant Server 0.00011; TOPMed 0.00001; gnomAD 0.00002.
gnomAD v4.1: 4 of 1,207,869 alleles (0.00033%); highest among the groups gnomAD compares: African/African-American, 0.0018%; no homozygotes.

Submissions (2):

GeneDx
Classification: Uncertain significance. Last evaluated: 2026-01-15. Review status: criteria provided, single submitter. Criteria: GeneDx Variant Classification Process June 2021. Collection method: clinical testing. Allele origin: germline.
Comment: Not observed at significant frequency in large population cohorts (gnomAD); In silico analysis supports that this missense variant has a deleterious effect on protein structure/function; Has not been previously published as pathogenic or benign germline variant to our knowledge; This variant is associated with the following publications: (PMID: 28892078)

Ambry Genetics
Classification: Uncertain significance for Inborn genetic diseases. Last evaluated: 2025-04-24. Review status: criteria provided, single submitter. Criteria: Ambry Variant Classification Scheme 2023. Collection method: clinical testing. Allele origin: germline.